The following is an entry in ClinVar:

NM_001244008.2(KIF1A):c.1132C>T (p.Arg378Trp)

Gene: KIF1A (kinesin family member 1A; minus strand). Cytogenetic location: 2q37.3.
Variant type: single nucleotide variant.
Coding change: c.1132C>T on transcript NM_001244008.2 (MANE Select); coding-DNA position 1132, C replaced by T.
Protein change: p.Arg378Trp; replaces arginine 378 with tryptophan.
Molecular consequence: missense variant.
Genome position (GRCh38, 1-based): chr2:240,773,162, G>A on the plus strand (C>T on the coding strand, the complement: KIF1A is on the minus strand). VCF-style: chr2-240773162-G-A. GRCh37 (hg19) VCF-style: chr2-241712579-G-A.
Other names: c.1132C>T, p.Arg378Trp (NM_001320705.2, NM_001330289.2, NM_001330290.2 and 20 more transcripts); short protein forms R378W.
Identifiers: ClinVar variation 1032195 (VCV001032195.2), dbSNP rs1438039466, ClinGen allele CA351295232.
Genomic context (GRCh38, chr2:240,773,162, plus strand): 5'-GCAGGCACTCACTGTCAGTGATGTCGCCAAGACCCTGGGCGTACAGAAGGTCCCGCAGCC[G>A]GGTCACCTCATCCTTCAGCTCGCGGATCAGCTTGTTGTTGGGGTCCTCATTGATGACAGC-3'
Protein context (NP_001230937.1, residues 368-388): LIRELKDEVT[Arg378Trp]LRDLLYAQGL

ClinVar aggregate classification (germline): Uncertain significance. Review status: criteria provided, multiple submitters, no conflicts (2 of 4 stars). 2 submissions from 2 submitters: Uncertain significance (2). Last evaluated 2025-07-13.

Conditions:
Neuropathy, hereditary sensory, type 2C. Also called: Hereditary sensory and autonomic neuropathy type IIC; KIF1A-Related HSAN2 (HSAN2C). Identifiers: Orphanet 970, MedGen C3280168, MONDO:0013634, OMIM 614213.
Intellectual disability, autosomal dominant 9 (NESCAVS). Also called: KIF1A-Related Neurodevelopmental Disorder; NESCAV SYNDROME. Identifiers: Orphanet 662367, MedGen C5393830, MONDO:0013656, OMIM 614255.
Hereditary spastic paraplegia 30. Identifiers: Orphanet 101010, MedGen C5235139, MONDO:0012476.

Allele frequency attached by ClinVar (database versions not stated): TOPMed below 0.00001.
gnomAD v4.1: 6 of 1,613,920 alleles (0.00037%); highest among the groups gnomAD compares: South Asian, 0.0022%; no homozygotes.

Submissions (2):

Labcorp Genetics (formerly Invitae), Labcorp
Classification: Uncertain significance for Hereditary spastic paraplegia 30; Neuropathy, hereditary sensory, type 2C; Intellectual disability, autosomal dominant 9. Last evaluated: 2025-07-13. Review status: criteria provided, single submitter. Criteria: Invitae Variant Classification Sherloc (09022015). Collection method: clinical testing. Allele origin: germline.
Comment: This sequence change replaces arginine, which is basic and polar, with tryptophan, which is neutral and slightly polar, at codon 378 of the KIF1A protein (p.Arg378Trp). This variant is present in population databases (no rsID available, gnomAD 0.01%). This variant has not been reported in the literature in individuals affected with KIF1A-related conditions. ClinVar contains an entry for this variant (Variation ID: 1032195). Invitae Evidence Modeling of protein sequence and biophysical properties (such as structural, functional, and spatial information, amino acid conservation, physicochemical variation, residue mobility, and thermodynamic stability) indicates that this missense variant is expected to disrupt KIF1A protein function with a positive predictive value of 95%. In summary, the available evidence is currently insufficient to determine the role of this variant in disease. Therefore, it has been classified as a Variant of Uncertain Significance.

Baylor Genetics
Classification: Uncertain significance for Intellectual disability, autosomal dominant 9. Last evaluated: 2018-11-24. Review status: criteria provided, single submitter. Criteria: ACMG Guidelines, 2015. Collection method: clinical testing. Allele origin: de novo. Affected: yes.
Comment: This variant was determined to be of uncertain significance according to ACMG Guidelines, 2015 [PMID:25741868].